The following is an entry in ClinVar:

ClinVar aggregate classification (germline): Uncertain significance (1 of 4 stars; one submission).

gnomAD v4.1: 79 of 1,613,940 alleles (0.0049%); highest among the groups gnomAD compares: Middle Eastern, 0.033%; no homozygotes.

Submission:

Labcorp Genetics (formerly Invitae), Labcorp
Classification: Uncertain significance. Last evaluated: 2024-04-30. Review status: criteria provided, single submitter. Criteria: Invitae Variant Classification Sherloc (09022015). Collection method: clinical testing. Allele origin: germline.
Comment: This sequence change replaces asparagine, which is neutral and polar, with serine, which is neutral and polar, at codon 1168 of the ADCY10 protein (p.Asn1168Ser). This variant is present in population databases (rs775133838, gnomAD 0.02%). This variant has not been reported in the literature in individuals affected with ADCY10-related conditions. Algorithms developed to predict the effect of missense changes on protein structure and function output the following: SIFT: "Not Available"; PolyPhen-2: "Benign"; Align-GVGD: "Not Available". The serine amino acid residue is found in multiple mammalian species, which suggests that this missense change does not adversely affect protein function. Algorithms developed to predict the effect of sequence changes on RNA splicing suggest that this variant may create or strengthen a splice site. In summary, the available evidence is currently insufficient to determine the role of this variant in disease. Therefore, it has been classified as a Variant of Uncertain Significance.

NM_018417.6(ADCY10):c.3503A>G (p.Asn1168Ser)

Gene: ADCY10 (adenylate cyclase 10; minus strand). Cytogenetic location: 1q24.2.
Variant type: single nucleotide variant.
Coding change: c.3503A>G on transcript NM_018417.6 (MANE Select); coding-DNA position 3503, A replaced by G.
Protein change: p.Asn1168Ser; replaces asparagine 1168 with serine.
Molecular consequence: missense variant.
Genome position (GRCh38, 1-based): chr1:167,833,077, T>C on the plus strand (A>G on the coding strand, the complement: ADCY10 is on the minus strand). VCF-style: chr1-167833077-T-C. GRCh37 (hg19) VCF-style: chr1-167802315-T-C.
Other names: c.3044A>G, p.Asn1015Ser (NM_001167749.3); c.3227A>G, p.Asn1076Ser (NM_001297772.2); short protein forms N1015S, N1076S, N1168S.
Identifiers: ClinVar variation 3710931 (VCV003710931.2).